The following is an entry in ClinVar:

Conditions:
Breast-ovarian cancer, familial, susceptibility to, 1 (BROVCA1). Also called: BRCA1 Hereditary Breast and Ovarian Cancer; OVARIAN CANCER, SUSCEPTIBILITY TO. Identifiers: Orphanet 145, MedGen C2676676, MONDO:0011450, OMIM 604370. Disease mechanism: loss of function.

Submission:

Brotman Baty Institute, University of Washington
No classification provided (evidence only). Condition: Breast-ovarian cancer, familial 1. Review status: no classification provided. Collection method: in vitro. Allele origin: not applicable. Functional consequence: function_uncertain_variant.
ClinVar note: "not provided" was previously submitted as the classification for the variant. However, the classification appeared to be based only on an observation of functional data so it was converted to no classification on 2025-07-30.

NM_007294.4(BRCA1):c.5468C>G (p.Ala1823Gly)

Gene: BRCA1 (BRCA1 DNA repair associated; minus strand). Cytogenetic location: 17q21.31.
Variant type: single nucleotide variant.
Coding change: c.5468C>G on transcript NM_007294.4 (MANE Select); coding-DNA position 5468, C replaced by G.
Protein change: p.Ala1823Gly; replaces alanine 1823 with glycine.
Molecular consequence: missense variant. On other transcripts: non-coding transcript variant (1).
Genome position (GRCh38, 1-based): chr17:43,045,802, G>C on the plus strand (C>G on the coding strand, the complement: BRCA1 is on the minus strand). VCF-style: chr17-43045802-G-C. GRCh37 (hg19) VCF-style: chr17-41197819-G-C.
Other names: c.2015C>G, p.Ala672Gly (NM_001408461.1, NM_001408462.1, NM_001408463.1 and 7 more transcripts); c.2012C>G, p.Ala671Gly (NM_001408468.1, NM_001408469.1, NM_001408470.1); c.5255C>G, p.Ala1752Gly (NM_001407571.1, NM_001407907.1, NM_001407908.1 and 12 more transcripts); c.5534C>G, p.Ala1845Gly (NM_001407581.1, NM_001407582.1); c.5531C>G, p.Ala1844Gly (NM_001407583.1, NM_001407585.1, NM_001407587.1 and 1 more transcripts); c.5528C>G, p.Ala1843Gly (NM_001407590.1, NM_001407591.1); c.5468C>G, p.Ala1823Gly (NM_001407593.1, NM_001407594.1, NM_001407596.1 and 5 more transcripts); c.5465C>G, p.Ala1822Gly (NM_001407614.1, NM_001407615.1, NM_001407616.1 and 14 more transcripts); and 83 more; short protein forms A719G, C694W, A1776G, A1823G, A1844G, A1526G, A1710G, A1712G.
Identifiers: ClinVar variation 864910 (VCV000864910.3), dbSNP rs765681061, ClinGen allele CA10590406.